The following is an entry in ClinVar:

ClinVar aggregate classification (germline): Uncertain significance (1 of 4 stars; one submission).

Conditions:
LAMA2-related muscular dystrophy (LAMA2-RD). Also called: Laminin alpha 2-related dystrophy. Identifiers: MedGen C5679788, MONDO:0100228.

Submission:

Labcorp Genetics (formerly Invitae), Labcorp
Classification: Uncertain significance for LAMA2-related muscular dystrophy. Last evaluated: 2020-06-21. Review status: criteria provided, single submitter. Criteria: Invitae Variant Classification Sherloc (09022015). Collection method: clinical testing. Allele origin: germline.
Comment: In summary, the available evidence is currently insufficient to determine the role of this variant in disease. Therefore, it has been classified as a Variant of Uncertain Significance. Algorithms developed to predict the effect of missense changes on protein structure and function (SIFT, PolyPhen-2, Align-GVGD) all suggest that this variant is likely to be tolerated, but these predictions have not been confirmed by published functional studies and their clinical significance is uncertain. This variant has not been reported in the literature in individuals with LAMA2-related conditions. This variant is not present in population databases (ExAC no frequency). This sequence change replaces histidine with glutamine at codon 666 of the LAMA2 protein (p.His666Gln). The histidine residue is weakly conserved and there is a small physicochemical difference between histidine and glutamine.

NM_000426.4(LAMA2):c.1998T>A (p.His666Gln)

Gene: LAMA2 (laminin subunit alpha 2; plus strand). Cytogenetic location: 6q22.33.
Variant type: single nucleotide variant.
Coding change: c.1998T>A on transcript NM_000426.4 (MANE Select); coding-DNA position 1998, T replaced by A.
Protein change: p.His666Gln; replaces histidine 666 with glutamine.
Molecular consequence: missense variant.
Genome position (GRCh38, 1-based): chr6:129,252,197, T>A. VCF-style: chr6-129252197-T-A. GRCh37 (hg19) VCF-style: chr6-129573342-T-A.
Other names: c.1998T>A, p.His666Gln (NM_001079823.2); short protein forms H666Q.
Identifiers: ClinVar variation 1017930 (VCV001017930.9), dbSNP rs1786305625, ClinGen allele CA365610424.